The following is an entry in ClinVar:

NM_001025356.3(ANO6):c.2388G>A (p.Pro796=)

Gene: ANO6 (anoctamin 6; plus strand). Cytogenetic location: 12q12.
Variant type: single nucleotide variant.
Coding change: c.2388G>A on transcript NM_001025356.3 (MANE Select); coding-DNA position 2388, G replaced by A.
Protein change: p.Pro796=; no amino-acid change (proline 796 retained).
Molecular consequence: synonymous variant.
Genome position (GRCh38, 1-based): chr12:45,421,241, G>A. VCF-style: chr12-45421241-G-A. GRCh37 (hg19) VCF-style: chr12-45815024-G-A.
Other names: c.2334G>A, p.Pro778= (NM_001142678.2); c.2388G>A, p.Pro796= (NM_001142679.2); c.2451G>A, p.Pro817= (NM_001204803.2); c.2355G>A, p.Pro785= (NM_001410973.1).
Identifiers: ClinVar variation 4989156 (VCV004989156.1).
Genomic context (GRCh38, chr12:45,421,241, plus strand): 5'-CAACAACACTCTCTCCATCTTCAAAGTCGCAGACTTCAAAAACAAAAGCAAGGGAAACCC[G>A]TACTCTGACCTGGGTAACCATACCACATGCAGGCAAGTTCTGCTTTACTTGTTTAAAAAT-3'
Protein context (NP_001020527.2, residues 786-806): ADFKNKSKGN[Pro796=]YSDLGNHTTC

ClinVar aggregate classification (germline): Likely benign (1 of 4 stars; one submission).

Conditions:
ANO6-related disorder. Also called: ANO6-related condition.

gnomAD v4.1: 47 of 1,613,992 alleles (0.0029%); highest among the groups gnomAD compares: Middle Eastern, 0.033%; no homozygotes.

Submission:

PreventionGenetics, part of Exact Sciences
Classification: Likely benign for ANO6-related condition. Last evaluated: 2026-05-08. Review status: criteria provided, single submitter. Criteria: ACMG Guidelines, 2015. Collection method: clinical testing. Allele origin: germline.
Comment: This variant is classified as likely benign based on ACMG/AMP sequence variant interpretation guidelines (Richards et al. 2015 PMID: 25741868, with internal and published modifications).